The following is an entry in ClinVar:

NM_014639.4(SKIC3):c.2846C>T (p.Thr949Ile)

Gene: SKIC3 (SKI3 subunit of superkiller complex; minus strand). Cytogenetic location: 5q15.
Variant type: single nucleotide variant.
Coding change: c.2846C>T on transcript NM_014639.4 (MANE Select); coding-DNA position 2846, C replaced by T.
Protein change: p.Thr949Ile; replaces threonine 949 with isoleucine.
Molecular consequence: missense variant.
Genome position (GRCh38, 1-based): chr5:95,512,551, G>A on the plus strand (C>T on the coding strand, the complement: SKIC3 is on the minus strand). VCF-style: chr5-95512551-G-A. GRCh37 (hg19) VCF-style: chr5-94848255-G-A.
Other names: short protein forms T949I.
Identifiers: ClinVar variation 1423103 (VCV001423103.3), dbSNP rs143896112, ClinGen allele CA3346937.

ClinVar aggregate classification (germline): Uncertain significance (1 of 4 stars; one submission).

Allele frequency attached by ClinVar (database versions not stated): gnomAD exomes 0.00006; ExAC 0.00009; gnomAD 0.00013 and 0.00014; ESP Exome Variant Server 0.00015; TOPMed 0.00017.
gnomAD v4.1: 39 of 1,613,864 alleles (0.0024%); highest among the groups gnomAD compares: African/African-American, 0.035%; no homozygotes.

Submission:

Labcorp Genetics (formerly Invitae), Labcorp
Classification: Uncertain significance. Last evaluated: 2022-07-19. Review status: criteria provided, single submitter. Criteria: Invitae Variant Classification Sherloc (09022015). Collection method: clinical testing. Allele origin: germline.
Comment: This sequence change replaces threonine, which is neutral and polar, with isoleucine, which is neutral and non-polar, at codon 949 of the TTC37 protein (p.Thr949Ile). This variant is present in population databases (rs143896112, gnomAD 0.05%). This variant has not been reported in the literature in individuals affected with TTC37-related conditions. ClinVar contains an entry for this variant (Variation ID: 1423103). Algorithms developed to predict the effect of missense changes on protein structure and function are either unavailable or do not agree on the potential impact of this missense change (SIFT: "Tolerated"; PolyPhen-2: "Possibly Damaging"; Align-GVGD: "Class C0"). In summary, the available evidence is currently insufficient to determine the role of this variant in disease. Therefore, it has been classified as a Variant of Uncertain Significance.